The following is an entry in ClinVar:

NM_001257096.2(PAX1):c.235G>A (p.Gly79Ser)

Gene: PAX1 (paired box 1; plus strand). Cytogenetic location: 20p11.22.
Variant type: single nucleotide variant.
Coding change: c.235G>A on transcript NM_001257096.2 (MANE Select); coding-DNA position 235, G replaced by A.
Protein change: p.Gly79Ser; replaces glycine 79 with serine.
Molecular consequence: missense variant.
Genome position (GRCh38, 1-based): chr20:21,705,947, G>A. VCF-style: chr20-21705947-G-A. GRCh37 (hg19) VCF-style: chr20-21686585-G-A.
Other names: c.235G>A, p.Gly79Ser (NM_006192.5); c.235G>A (NM_006192.3); short protein forms G79S.
Identifiers: ClinVar variation 1503047 (VCV001503047.6), dbSNP rs1052759457, ClinGen allele CA313027389.

ClinVar aggregate classification (germline): Uncertain significance. Review status: criteria provided, multiple submitters, no conflicts (2 of 4 stars). 2 submissions from 2 submitters: Uncertain significance (2). Last evaluated 2025-08-02.

Conditions:
Inborn genetic diseases. Identifiers: MedGen C0950123, MeSH D030342.

Allele frequency attached by ClinVar (database versions not stated): TOPMed 0.00001; gnomAD 0.00003 and 0.00004.

Submissions (2):

Ambry Genetics
Classification: Uncertain significance for Inborn genetic diseases. Last evaluated: 2025-08-02. Review status: criteria provided, single submitter. Criteria: Ambry Variant Classification Scheme 2023. Collection method: clinical testing. Allele origin: germline.

Labcorp Genetics (formerly Invitae), Labcorp
Classification: Uncertain significance. Last evaluated: 2021-11-11. Review status: criteria provided, single submitter. Criteria: Invitae Variant Classification Sherloc (09022015). Collection method: clinical testing. Allele origin: germline.
Comment: In summary, the available evidence is currently insufficient to determine the role of this variant in disease. Therefore, it has been classified as a Variant of Uncertain Significance. Algorithms developed to predict the effect of missense changes on protein structure and function (SIFT, PolyPhen-2, Align-GVGD) all suggest that this variant is likely to be tolerated. This variant has not been reported in the literature in individuals affected with PAX1-related conditions. This variant is present in population databases (no rsID available, gnomAD 0.01%). This sequence change replaces glycine, which is neutral and non-polar, with serine, which is neutral and polar, at codon 79 of the PAX1 protein (p.Gly79Ser).